The following is an entry in ClinVar:

ClinVar aggregate classification (germline): Benign/Likely benign. Review status: criteria provided, multiple submitters, no conflicts (2 of 4 stars). 13 submissions from 13 submitters: Benign (8); Likely benign (2). 3 of the submissions do not count toward it. Last evaluated 2026-06-01.

Conditions:
Monogenic diabetes. Identifiers: Orphanet 183625, MedGen C3888631, MONDO:0015967.
Cardiovascular phenotype. Identifiers: MedGen CN230736.
Alstrom syndrome (ALMS). Identifiers: Orphanet 64, MedGen C0268425, MONDO:0008763, OMIM 203800.

Allele frequency attached by ClinVar (database versions not stated): 1000 Genomes Project 30x 0.00406; 1000 Genomes Project 0.00459; TOPMed 0.00711; gnomAD 0.00807 and 0.00814; ESP Exome Variant Server 0.01102.
gnomAD v4.1: 19,153 of 1,614,052 alleles (1.2%); highest among the groups gnomAD compares: Non-Finnish European, 1.4%; 159 homozygotes.

Submissions (13):

CeGaT Center for Human Genetics Tuebingen
Classification: Likely benign. Last evaluated: 2026-06-01. Review status: criteria provided, single submitter. Criteria: CeGaT Center For Human Genetics Tuebingen Variant Classification Criteria Version 2. Collection method: clinical testing. Allele origin: germline. Affected: yes. Observed: 45 variant alleles.
Comment: ALMS1: BP4

Labcorp Genetics (formerly Invitae), Labcorp
Classification: Benign for Alstrom syndrome. Last evaluated: 2026-02-04. Review status: criteria provided, single submitter. Criteria: Invitae Variant Classification Sherloc (09022015). Collection method: clinical testing. Allele origin: germline.

ARUP Laboratories, Molecular Genetics and Genomics, ARUP Laboratories
Classification: Benign for Alstrom syndrome. Last evaluated: 2025-05-20. Review status: criteria provided, single submitter. Criteria: ARUP Molecular Germline Variant Investigation Process 2024. Collection method: clinical testing. Allele origin: germline.

Blueprint Genetics
Classification: Likely benign. Last evaluated: 2024-11-26. Review status: criteria provided, single submitter. Criteria: ACMG Guidelines, 2015. Collection method: clinical testing. Allele origin: germline.

Personalized Diabetes Medicine Program, University of Maryland School of Medicine
Classification: Benign for Monogenic diabetes. Last evaluated: 2019-02-22. Review status: criteria provided, single submitter. Criteria: ACMG Guidelines, 2015. Collection method: research. Allele origin: unknown. Observed: 18 variant alleles, 18 heterozygotes.
Comment: ACMG criteria: BP4 (9 predictors; Revel score 0.007), BS2 (18 homozygotes in gnomAD), BP1 (missense in gene with truncating mutations), BA1 (1.4% in European gnomAD; 1.1% in ESP); [InVitae, Partners & Childrens Mercy say benign but no longer using BP6]= benign

Ambry Genetics
Classification: Benign for Cardiovascular phenotype. Last evaluated: 2018-12-29. Review status: criteria provided, single submitter. Criteria: Ambry Variant Classification Scheme 2023. Collection method: clinical testing. Allele origin: germline.

GeneDx
Classification: Benign. Last evaluated: 2018-05-18. Review status: criteria provided, single submitter. Criteria: GeneDx Variant Classification Process June 2021. Collection method: clinical testing. Allele origin: germline. Affected: yes.
Comment: This variant is associated with the following publications: (PMID: 16720663, 25296579, 17594715)

Laboratory for Molecular Medicine, Mass General Brigham Personalized Medicine
Classification: Benign. Last evaluated: 2016-03-21. Review status: criteria provided, single submitter. Criteria: LMM Criteria. Collection method: clinical testing. Allele origin: germline. Observed: 8 variant alleles.
Comment: p.Asn2944Lys in exon 10 of ALMS1: This variant is not expected to have clinical significance because it has been identified in 1.38% (921/66738) of European chr omosomes by the Exome Aggregation Consortium (ExAC, rg; dbSNP rs35062203).

Center for Pediatric Genomic Medicine, Children's Mercy Hospital and Clinics
Classification: Benign. Last evaluated: 2015-12-21. Review status: criteria provided, single submitter. Criteria: ACMG Guidelines, 2015. Collection method: clinical testing. Allele origin: germline.

Breakthrough Genomics
Classification: Benign. Review status: criteria provided, single submitter. Criteria: ACMG Guidelines, 2015. Collection method: not provided. Allele origin: germline. Inheritance: Autosomal recessive inheritance. Affected: yes.

Clinical Genetics, Academic Medical Center
Classification: Benign. Review status: no assertion criteria provided. Collection method: clinical testing. Allele origin: germline. Affected: yes. Study: VKGL Data-share Consensus. Not counted in ClinVar's aggregate classification.

Genome Diagnostics Laboratory, University Medical Center Utrecht
Classification: Benign. Review status: no assertion criteria provided. Collection method: clinical testing. Allele origin: germline. Affected: yes. Study: VKGL Data-share Consensus. Not counted in ClinVar's aggregate classification.

Laboratory of Diagnostic Genome Analysis, Leiden University Medical Center (LUMC)
Classification: Likely benign. Review status: no assertion criteria provided. Collection method: clinical testing. Allele origin: germline. Affected: yes. Study: VKGL Data-share Consensus. Not counted in ClinVar's aggregate classification.

NM_001378454.1(ALMS1):c.8835C>G (p.Asn2945Lys)

Gene: ALMS1 (ALMS1 centrosome and basal body associated protein; plus strand). Cytogenetic location: 2p13.1.
Variant type: single nucleotide variant.
Coding change: c.8835C>G on transcript NM_001378454.1 (MANE Select); coding-DNA position 8835, C replaced by G.
Protein change: p.Asn2945Lys; replaces asparagine 2945 with lysine.
Molecular consequence: missense variant.
Genome position (GRCh38, 1-based): chr2:73,490,794, C>G. VCF-style: chr2-73490794-C-G. GRCh37 (hg19) VCF-style: chr2-73717921-C-G.
Other names: c.8838C>G, p.Asn2946Lys (NM_015120.4); short protein forms N2946K, N2945K.
Identifiers: ClinVar variation 221010 (VCV000221010.54), dbSNP rs35062203, ClinGen allele CA348366.